The following is an entry in ClinVar:

ClinVar aggregate classification (germline): Conflicting classifications of pathogenicity. Review status: criteria provided, conflicting classifications (1 of 4 stars). 3 submissions from 3 submitters: Likely pathogenic (1); Uncertain significance (2). Last evaluated 2025-10-18.

Conditions:
Cyclical neutropenia. Also called: Cyclic hematopoiesis; Cyclic Neutropenia. Identifiers: Orphanet 2686, MedGen C0221023, MONDO:0008090, OMIM 162800, HP:0040289. Disease mechanism: loss of function.
Neutropenia, severe congenital, 1, autosomal dominant. Identifiers: MedGen C1859966, MONDO:0042490, OMIM 202700.

Allele frequency attached by ClinVar (database versions not stated): gnomAD exomes below 0.00001 and 0.00001; TOPMed below 0.00001; gnomAD 0.00001.
gnomAD v4.1: 9 of 1,604,212 alleles (0.00056%); highest among the groups gnomAD compares: Non-Finnish European, 0.00077%; no homozygotes.

Submissions (3):

Labcorp Genetics (formerly Invitae), Labcorp
Classification: Uncertain significance for Neutropenia, severe congenital, 1, autosomal dominant; Cyclical neutropenia. Last evaluated: 2025-10-18. Review status: criteria provided, single submitter. Criteria: Invitae Variant Classification Sherloc (09022015). Collection method: clinical testing. Allele origin: germline.
Comment: This sequence change creates a premature translational stop signal (p.Gln122*) in the ELANE gene. It is expected to result in an absent or disrupted protein product. However, the current clinical and genetic evidence is not sufficient to establish whether loss-of-function variants in ELANE cause disease. This variant is present in population databases (no rsID available, gnomAD 0.001%). This variant has not been reported in the literature in individuals affected with ELANE-related conditions. ClinVar contains an entry for this variant (Variation ID: 565626). In summary, the available evidence is currently insufficient to determine the role of this variant in disease. Therefore, it has been classified as a Variant of Uncertain Significance.

Mayo Clinic Laboratories, Mayo Clinic
Classification: Uncertain significance. Last evaluated: 2024-04-01. Review status: criteria provided, single submitter. Criteria: ACMG Guidelines, 2015. Collection method: clinical testing. Allele origin: germline. Observed: 1 variant allele.

GeneDx
Classification: Likely pathogenic. Last evaluated: 2022-12-08. Review status: criteria provided, single submitter. Criteria: GeneDx Variant Classification Process June 2021. Collection method: clinical testing. Allele origin: germline. Affected: yes.
Comment: Nonsense variant predicted to result in protein truncation or nonsense mediated decay in a gene for which loss-of-function is a known mechanism of disease; Not observed at significant frequency in large population cohorts (gnomAD); Has not been previously published as pathogenic or benign to our knowledge; This variant is associated with the following publications: (PMID: 32630050)

Literature cited by the submitters: PubMed 31321910 (cited by Mayo Clinic Laboratories, Mayo Clinic); PubMed 32630050 (cited by Mayo Clinic Laboratories, Mayo Clinic); PubMed 33961760 (cited by Mayo Clinic Laboratories, Mayo Clinic).

NM_001972.4(ELANE):c.364C>T (p.Gln122Ter)

Gene: ELANE (elastase, neutrophil expressed; plus strand). Cytogenetic location: 19p13.3.
Variant type: single nucleotide variant.
Coding change: c.364C>T on transcript NM_001972.4 (MANE Select); coding-DNA position 364, C replaced by T.
Protein change: p.Gln122Ter; replaces glutamine 122 with a stop codon.
Molecular consequence: nonsense.
Genome position (GRCh38, 1-based): chr19:853,401, C>T. VCF-style: chr19-853401-C-T. GRCh37 (hg19) VCF-style: chr19-853401-C-T.
Other names: p.Gln122*; c.364C>T (LRG_57t1); short protein forms Q122*.
Identifiers: ClinVar variation 565626 (VCV000565626.12), dbSNP rs1303279241, ClinGen allele CA402916436.